The following is an entry in ClinVar:

NM_000094.4(COL7A1):c.7127C>G (p.Pro2376Arg)

Gene: COL7A1 (collagen type VII alpha 1 chain; minus strand). Cytogenetic location: 3p21.31.
Variant type: single nucleotide variant.
Coding change: c.7127C>G on transcript NM_000094.4 (MANE Select); coding-DNA position 7127, C replaced by G.
Protein change: p.Pro2376Arg; replaces proline 2376 with arginine.
Molecular consequence: missense variant.
Genome position (GRCh38, 1-based): chr3:48,571,138, G>C on the plus strand (C>G on the coding strand, the complement: COL7A1 is on the minus strand). VCF-style: chr3-48571138-G-C. GRCh37 (hg19) VCF-style: chr3-48608571-G-C.
Other names: short protein forms P2376R.
Identifiers: ClinVar variation 4762944 (VCV004762944.1).

ClinVar aggregate classification (germline): Uncertain significance (1 of 4 stars; one submission).

Submission:

Labcorp Genetics (formerly Invitae), Labcorp
Classification: Uncertain significance. Last evaluated: 2025-09-11. Review status: criteria provided, single submitter. Criteria: Invitae Variant Classification Sherloc (09022015). Collection method: clinical testing. Allele origin: germline.
Comment: This sequence change replaces proline, which is neutral and non-polar, with arginine, which is basic and polar, at codon 2376 of the COL7A1 protein (p.Pro2376Arg). This variant is not present in population databases (gnomAD no frequency). This variant has not been reported in the literature in individuals affected with COL7A1-related conditions. Invitae Evidence Modeling of protein sequence and biophysical properties (such as structural, functional, and spatial information, amino acid conservation, physicochemical variation, residue mobility, and thermodynamic stability) indicates that this missense variant is not expected to disrupt COL7A1 protein function with a negative predictive value of 95%. In summary, the available evidence is currently insufficient to determine the role of this variant in disease. Therefore, it has been classified as a Variant of Uncertain Significance.